The following is an entry in ClinVar:

NM_014804.3(KIAA0753):c.2657G>A (p.Arg886Gln)

Gene: KIAA0753 (KIAA0753; minus strand). Cytogenetic location: 17p13.1.
Variant type: single nucleotide variant.
Coding change: c.2657G>A on transcript NM_014804.3 (MANE Select); coding-DNA position 2657, G replaced by A.
Protein change: p.Arg886Gln; replaces arginine 886 with glutamine.
Molecular consequence: missense variant. On other transcripts: non-coding transcript variant (3).
Genome position (GRCh38, 1-based): chr17:6,589,908, C>T on the plus strand (G>A on the coding strand, the complement: KIAA0753 is on the minus strand). VCF-style: chr17-6589908-C-T. GRCh37 (hg19) VCF-style: chr17-6493228-C-T.
Other names: c.1760G>A, p.Arg587Gln (NM_001351225.2); short protein forms R587Q, R886Q.
Identifiers: ClinVar variation 738501 (VCV000738501.36), dbSNP rs199909867, ClinGen allele CA8330085.

ClinVar aggregate classification (germline): Likely benign. Review status: criteria provided, multiple submitters, no conflicts (2 of 4 stars). 5 submissions from 5 submitters: Likely benign (4). 1 of the submissions does not count toward it. Last evaluated 2026-08-01.

Conditions:
KIAA0753-related disorder.

Allele frequency attached by ClinVar (database versions not stated): 1000 Genomes Project 30x 0.00031; 1000 Genomes Project 0.00040; gnomAD 0.00050 and 0.00052; gnomAD exomes 0.00050 and 0.00068; TOPMed 0.00061; ExAC 0.00066; ESP Exome Variant Server 0.00075.
gnomAD v4.1: 846 of 1,613,462 alleles (0.052%); highest among the groups gnomAD compares: Middle Eastern, 2%; 6 homozygotes.

Submissions (5):

CeGaT Center for Human Genetics Tuebingen
Classification: Likely benign. Last evaluated: 2026-08-01. Review status: criteria provided, single submitter. Criteria: CeGaT Center For Human Genetics Tuebingen Variant Classification Criteria Version 2. Collection method: clinical testing. Allele origin: germline. Affected: yes. Observed: 3 variant alleles.
Comment: KIAA0753: BP4

Labcorp Genetics (formerly Invitae), Labcorp
Classification: Likely benign. Last evaluated: 2026-01-12. Review status: criteria provided, single submitter. Criteria: Invitae Variant Classification Sherloc (09022015). Collection method: clinical testing. Allele origin: germline.

Blueprint Genetics
Classification: Likely benign. Last evaluated: 2024-10-24. Review status: criteria provided, single submitter. Criteria: ACMG Guidelines, 2015. Collection method: clinical testing. Allele origin: germline.

Breakthrough Genomics
Classification: Likely benign. Review status: criteria provided, single submitter. Criteria: ACMG Guidelines, 2015. Collection method: not provided. Allele origin: germline. Inheritance: Autosomal recessive inheritance. Affected: yes.

PreventionGenetics, part of Exact Sciences
Classification: Likely benign for KIAA0753-related condition. Last evaluated: 2019-10-16. Review status: no assertion criteria provided. Collection method: clinical testing. Allele origin: germline. Not counted in ClinVar's aggregate classification.
Comment: This variant is classified as likely benign based on ACMG/AMP sequence variant interpretation guidelines (Richards et al. 2015 PMID: 25741868, with internal and published modifications).